The following is an entry in ClinVar:

NC_000003.12:g.169764817G>A

Genes: TERC (telomerase RNA component; minus strand), LOC110806306 (telomerase RNA component (TERC) promoter; plus strand). Cytogenetic location: 3q26.2.
Variant type: single nucleotide variant.
Genome position: GRCh38 VCF-style: chr3-169764817-G-A. GRCh37 (hg19) VCF-style: chr3-169482605-G-A.
Identifiers: ClinVar variation 2734586 (VCV002734586.3), dbSNP rs1304541099, ClinGen allele CA436715296.

ClinVar aggregate classification (germline): Uncertain significance (1 of 4 stars; one submission).

Conditions:
Dyskeratosis congenita, autosomal dominant 1 (DKCA1). Also called: Dyskeratosis congenita Scoggins type. Identifiers: Orphanet 1775, MedGen C4551974, MONDO:0007485, OMIM 127550. Inheritance: Variable.

Allele frequency attached by ClinVar (database versions not stated): gnomAD exomes below 0.00001; gnomAD 0.00001.
gnomAD v4.1: 2 of 728,400 alleles (0.00027%); highest among the groups gnomAD compares: Non-Finnish European, 0.0005%; no homozygotes.

Submission:

Labcorp Genetics (formerly Invitae), Labcorp
Classification: Uncertain significance for Dyskeratosis congenita, autosomal dominant 1. Last evaluated: 2023-04-23. Review status: criteria provided, single submitter. Criteria: Invitae Variant Classification Sherloc (09022015). Collection method: clinical testing. Allele origin: germline.
Comment: This variant occurs in the TERC gene, which encodes an RNA molecule that does not result in a protein product. This variant is present in population databases (no rsID available, gnomAD 0.007%). This variant has not been reported in the literature in individuals affected with TERC-related conditions. Experimental studies and prediction algorithms are not available or were not evaluated, and the functional significance of this variant is currently unknown. In summary, the available evidence is currently insufficient to determine the role of this variant in disease. Therefore, it has been classified as a Variant of Uncertain Significance.